The following is an entry in ClinVar:

NM_002641.4(PIGA):c.1201G>A (p.Val401Ile)

Gene: PIGA (phosphatidylinositol glycan anchor biosynthesis class A; minus strand). Cytogenetic location: Xp22.2.
Variant type: single nucleotide variant.
Coding change: c.1201G>A on transcript NM_002641.4 (MANE Select); coding-DNA position 1201, G replaced by A.
Protein change: p.Val401Ile; replaces valine 401 with isoleucine.
Molecular consequence: missense variant. On other transcripts: non-coding transcript variant (2).
Genome position (GRCh38, 1-based): chrX:15,321,760, C>T on the plus strand (G>A on the coding strand, the complement: PIGA is on the minus strand). VCF-style: chrX-15321760-C-T. GRCh37 (hg19) VCF-style: chrX-15339882-C-T.
Other names: c.499G>A, p.Val167Ile (NM_020473.3); short protein forms V167I, V401I.
Identifiers: ClinVar variation 1055015 (VCV001055015.10), dbSNP rs759697480, ClinGen allele CA412334882.

ClinVar aggregate classification (germline): Uncertain significance. Review status: criteria provided, multiple submitters, no conflicts (2 of 4 stars). 2 submissions from 2 submitters: Uncertain significance (2). Last evaluated 2025-05-19.

Conditions:
Multiple congenital anomalies-hypotonia-seizures syndrome 2 (MCAHS2). Also called: GLYCOSYLPHOSPHATIDYLINOSITOL BIOSYNTHESIS DEFECT 4; EPILEPTIC ENCEPHALOPATHY, EARLY INFANTILE, 20. Identifiers: Orphanet 300496, MedGen C3275508, MONDO:0010466, OMIM 300868.

gnomAD v4.1: 1 of 1,210,086 alleles (0.000083%); highest among the groups gnomAD compares: East Asian, 0.003%; no homozygotes.

Submissions (2):

Labcorp Genetics (formerly Invitae), Labcorp
Classification: Uncertain significance for Multiple congenital anomalies-hypotonia-seizures syndrome 2. Last evaluated: 2025-05-19. Review status: criteria provided, single submitter. Criteria: Invitae Variant Classification Sherloc (09022015). Collection method: clinical testing. Allele origin: germline.
Comment: This sequence change replaces valine, which is neutral and non-polar, with isoleucine, which is neutral and non-polar, at codon 401 of the PIGA protein (p.Val401Ile). This variant is not present in population databases (gnomAD no frequency). This variant has not been reported in the literature in individuals affected with PIGA-related conditions. ClinVar contains an entry for this variant (Variation ID: 1055015). Invitae Evidence Modeling of protein sequence and biophysical properties (such as structural, functional, and spatial information, amino acid conservation, physicochemical variation, residue mobility, and thermodynamic stability) indicates that this missense variant is not expected to disrupt PIGA protein function with a negative predictive value of 95%. In summary, the available evidence is currently insufficient to determine the role of this variant in disease. Therefore, it has been classified as a Variant of Uncertain Significance.

Women's Health and Genetics/Laboratory Corporation of America, LabCorp
Classification: Uncertain significance. Last evaluated: 2023-11-20. Review status: criteria provided, single submitter. Criteria: LabCorp Variant Classification Summary - May 2015. Collection method: clinical testing. Allele origin: germline.
Comment: Variant summary: PIGA c.1201G>A (p.Val401Ile) results in a conservative amino acid change in the encoded protein sequence. Four of five in-silico tools predict a benign effect of the variant on protein function. The variant was absent in 181475 control chromosomes (gnomAD). The available data on variant occurrences in the general population are insufficient to allow any conclusion about variant significance. To our knowledge, no occurrence of c.1201G>A in individuals affected with Multiple Congenital Anomalies-Hypotonia Syndrome 2 and no experimental evidence demonstrating its impact on protein function have been reported. One submitter has cited clinical-significance assessments for this variant to ClinVar after 2014 and has classified the variant as uncertain significance. Based on the evidence outlined above, the variant was classified as uncertain significance.